The following is an entry in ClinVar:

ClinVar aggregate classification (germline): Conflicting classifications of pathogenicity. Review status: criteria provided, conflicting classifications (1 of 4 stars). 6 submissions from 6 submitters: Uncertain significance (1); Likely benign (3). 2 of the submissions do not count toward it. Last evaluated 2025-06-01.

Conditions:
Thyroid dyshormonogenesis 6 (TDH6). Also called: HYPOTHYROIDISM, CONGENITAL, DUE TO DYSHORMONOGENESIS, 6; THYROID HORMONOGENESIS, GENETIC DEFECT IN, 6; Genetic transient congenital hypothyroidism. Identifiers: Orphanet 226316, Orphanet 95716, MedGen C1846632, MONDO:0011792, OMIM 607200.

Allele frequency attached by ClinVar (database versions not stated): gnomAD exomes 0.00091; ExAC 0.00119; gnomAD 0.00143 and 0.00148; TOPMed 0.00169; 1000 Genomes Project 30x 0.00172; 1000 Genomes Project 0.00339.
gnomAD v4.1: 2,088 of 1,551,282 alleles (0.13%); highest among the groups gnomAD compares: Middle Eastern, 0.57%; 17 homozygotes.

Submissions (6):

CeGaT Center for Human Genetics Tuebingen
Classification: Likely benign. Last evaluated: 2025-06-01. Review status: criteria provided, single submitter. Criteria: CeGaT Center For Human Genetics Tuebingen Variant Classification Criteria Version 2. Collection method: clinical testing. Allele origin: germline. Affected: yes. Observed: 3 variant alleles.
Comment: DUOX2: BP4, BP7, BS2

Blueprint Genetics
Classification: Likely benign. Last evaluated: 2024-11-26. Review status: criteria provided, single submitter. Criteria: ACMG Guidelines, 2015. Collection method: clinical testing. Allele origin: germline.

Labcorp Genetics (formerly Invitae), Labcorp
Classification: Likely benign. Last evaluated: 2019-12-31. Review status: criteria provided, single submitter. Criteria: Invitae Variant Classification Sherloc (09022015). Collection method: clinical testing. Allele origin: germline.

Illumina Laboratory Services, Illumina
Classification: Uncertain significance for Thyroid dyshormonogenesis 6. Last evaluated: 2018-01-13. Review status: criteria provided, single submitter. Criteria: ICSL Variant Classification Criteria 13 December 2019. Collection method: clinical testing. Allele origin: germline.

Clinical Genetics DNA and cytogenetics Diagnostics Lab, Erasmus MC, Erasmus Medical Center
Classification: Likely benign. Review status: no assertion criteria provided. Collection method: clinical testing. Allele origin: germline. Affected: yes. Study: VKGL Data-share Consensus. Not counted in ClinVar's aggregate classification.

Clinical Genetics, Academic Medical Center
Classification: Benign. Review status: no assertion criteria provided. Collection method: clinical testing. Allele origin: germline. Affected: yes. Study: VKGL Data-share Consensus. Not counted in ClinVar's aggregate classification.

NM_001363711.2(DUOX2):c.597G>C (p.Ser199=)

Gene: DUOX2 (dual oxidase 2; minus strand). Cytogenetic location: 15q21.1.
Variant type: single nucleotide variant.
Coding change: c.597G>C on transcript NM_001363711.2 (MANE Select); coding-DNA position 597, G replaced by C.
Protein change: p.Ser199=; no amino-acid change (serine 199 retained).
Molecular consequence: synonymous variant.
Genome position (GRCh38, 1-based): chr15:45,111,502, C>G on the plus strand (G>C on the coding strand, the complement: DUOX2 is on the minus strand). VCF-style: chr15-45111502-C-G. GRCh37 (hg19) VCF-style: chr15-45403700-C-G.
Other names: c.597G>C, p.Ser199= (NM_014080.5).
Identifiers: ClinVar variation 733640 (VCV000733640.36), dbSNP rs2467828, ClinGen allele CA7538896.